The following is an entry in ClinVar:

ClinVar aggregate classification (germline): Uncertain significance. Review status: criteria provided, multiple submitters, no conflicts (2 of 4 stars). 2 submissions from 2 submitters: Uncertain significance (2). Last evaluated 2025-10-06.

Conditions:
Idiopathic generalized epilepsy. Also called: EIG; Generalised epilepsy. Identifiers: MedGen C0270850, MONDO:0005579, OMIM 600669.
Hyperaldosteronism, familial, type IV (HALD4). Also called: FH IV; ALDOSTERONISM, PRIMARY, AND HYPERTENSION. Identifiers: Orphanet 642671, MedGen C4310756, MONDO:0014875, OMIM 617027.
Inborn genetic diseases. Identifiers: MedGen C0950123, MeSH D030342.

Allele frequency attached by ClinVar (database versions not stated): gnomAD exomes below 0.00001; TOPMed below 0.00001; gnomAD 0.00001.
gnomAD v4.1: 6 of 1,602,524 alleles (0.00037%); highest among the groups gnomAD compares: South Asian, 0.0011%; no homozygotes.

Submissions (2):

Ambry Genetics
Classification: Uncertain significance for Inborn genetic diseases. Last evaluated: 2025-10-06. Review status: criteria provided, single submitter. Criteria: Ambry Variant Classification Scheme 2023. Collection method: clinical testing. Allele origin: germline.

Labcorp Genetics (formerly Invitae), Labcorp
Classification: Uncertain significance for Idiopathic generalized epilepsy; Hyperaldosteronism, familial, type IV. Last evaluated: 2022-11-22. Review status: criteria provided, single submitter. Criteria: Invitae Variant Classification Sherloc (09022015). Collection method: clinical testing. Allele origin: germline.
Comment: Advanced modeling of protein sequence and biophysical properties (such as structural, functional, and spatial information, amino acid conservation, physicochemical variation, residue mobility, and thermodynamic stability) performed at Invitae indicates that this missense variant is expected to disrupt CACNA1H protein function. In summary, the available evidence is currently insufficient to determine the role of this variant in disease. Therefore, it has been classified as a Variant of Uncertain Significance. This variant has not been reported in the literature in individuals affected with CACNA1H-related conditions. This variant is not present in population databases (gnomAD no frequency). This sequence change replaces glycine, which is neutral and non-polar, with serine, which is neutral and polar, at codon 298 of the CACNA1H protein (p.Gly298Ser).

NM_021098.3(CACNA1H):c.892G>A (p.Gly298Ser)

Gene: CACNA1H (calcium voltage-gated channel subunit alpha1 H; plus strand). Cytogenetic location: 16p13.3.
Variant type: single nucleotide variant.
Coding change: c.892G>A on transcript NM_021098.3 (MANE Select); coding-DNA position 892, G replaced by A.
Protein change: p.Gly298Ser; replaces glycine 298 with serine.
Molecular consequence: missense variant.
Genome position (GRCh38, 1-based): chr16:1,200,344, G>A. VCF-style: chr16-1200344-G-A. GRCh37 (hg19) VCF-style: chr16-1250344-G-A.
Other names: c.892G>A (NM_021098.2); c.892G>A, p.Gly298Ser (NM_001005407.2); short protein forms G298S.
Identifiers: ClinVar variation 1955549 (VCV001955549.6), dbSNP rs1967692208, ClinGen allele CA394156225.